The following is an entry in ClinVar:

ClinVar aggregate classification (germline): Uncertain significance (1 of 4 stars; one submission).

Allele frequency attached by ClinVar (database versions not stated): gnomAD exomes below 0.00001.
gnomAD v4.1: 4 of 1,534,892 alleles (0.00026%); highest among the groups gnomAD compares: African/African-American, 0.0041%; no homozygotes.

Submission:

Labcorp Genetics (formerly Invitae), Labcorp
Classification: Uncertain significance. Last evaluated: 2022-08-21. Review status: criteria provided, single submitter. Criteria: Invitae Variant Classification Sherloc (09022015). Collection method: clinical testing. Allele origin: germline.
Comment: This sequence change replaces tyrosine, which is neutral and polar, with histidine, which is basic and polar, at codon 275 of the TMPRSS15 protein (p.Tyr275His). This variant is not present in population databases (gnomAD no frequency). This variant has not been reported in the literature in individuals affected with TMPRSS15-related conditions. Algorithms developed to predict the effect of missense changes on protein structure and function output the following: SIFT: "Not Available"; PolyPhen-2: "Benign"; Align-GVGD: "Not Available". The histidine amino acid residue is found in multiple mammalian species, which suggests that this missense change does not adversely affect protein function. In summary, the available evidence is currently insufficient to determine the role of this variant in disease. Therefore, it has been classified as a Variant of Uncertain Significance.

NM_002772.3(TMPRSS15):c.823T>C (p.Tyr275His)

Gene: TMPRSS15 (transmembrane serine protease 15; minus strand). Cytogenetic location: 21q21.1.
Variant type: single nucleotide variant.
Coding change: c.823T>C on transcript NM_002772.3 (MANE Select); coding-DNA position 823, T replaced by C.
Protein change: p.Tyr275His; replaces tyrosine 275 with histidine.
Molecular consequence: missense variant.
Genome position (GRCh38, 1-based): chr21:18,359,814, A>G on the plus strand (T>C on the coding strand, the complement: TMPRSS15 is on the minus strand). VCF-style: chr21-18359814-A-G. GRCh37 (hg19) VCF-style: chr21-19732131-A-G.
Other names: short protein forms Y275H.
Identifiers: ClinVar variation 2042692 (VCV002042692.4), dbSNP rs2075662482, ClinGen allele CA409852018.